The following is an entry in ClinVar:

ClinVar aggregate classification (germline): Pathogenic/Likely pathogenic. Review status: criteria provided, multiple submitters, no conflicts (2 of 4 stars). 2 submissions from 2 submitters: Pathogenic (1); Likely pathogenic (1). Last evaluated 2017-05-08.

Conditions:
Autosomal recessive ataxia, Beauce type. Also called: Spinocerebellar ataxia, autosomal recessive 8; SYNE1 Deficiency; ATAXIA, RECESSIVE, OF BEAUCE; SYNE1-Related Autosomal Recessive Cerebellar Ataxia. Identifiers: Orphanet 88644, MedGen C1853116, MONDO:0012549, OMIM 610743.
Emery-Dreifuss muscular dystrophy 4, autosomal dominant (EDMD4). Also called: EMERY-DREIFUSS MUSCULAR DYSTROPHY 4 WITH VARIABLE FEATURES. Identifiers: Orphanet 261, MedGen C2751807, MONDO:0013071, OMIM 612998.
Arthrogryposis multiplex congenita 3, myogenic type. Also called: ARTHROGRYPOSIS MULTIPLEX CONGENITA, MYOGENIC TYPE. Identifiers: MedGen C5193121, MONDO:0032778, OMIM 618484.
SYNE1-related disorder. Also called: SYNE1-related disorders; SYNE1-related disease; SYNE1-related condition.

gnomAD v4.1: 1 of 1,613,984 alleles (0.000062%); no homozygotes.

Submissions (2):

Illumina Laboratory Services, Illumina
Classification: Likely pathogenic for SYNE1-Related Disorders. Last evaluated: 2017-05-08. Review status: criteria provided, single submitter. Criteria: ICSL Variant Classification Criteria 09 May 2019. Collection method: clinical testing. Allele origin: germline.
Comment: The SYNE1 c.23782C>T (p.Arg7928Ter) variant is a stop-gained variant that is predicted to cause premature truncation of the protein. The p.Arg7928Ter variant has been reported in one study and is found in a compound heterozygous state in two unrelated patients with cerebellar ataxia plus (Synofzik et al. 2016). Control data are unavailable for the variant, which is not found in the 1000 Genomes Project, the Exome Sequencing Project, Exome Aggregation Consortium or the Genome Aggregation Database. While no literature was found associating the p.Arg7928Ter variant with the autosomal dominant form of Emery-Dreifuss muscular dystrophy, it cannot be ruled out as a cause of this disease, which has a variable age of onset that ranges into adulthood. Based on the evidence and due to the potential impact of stop-gained variants, the p.Arg7928Ter variant is classified as likely pathogenic for SYNE1-related disorders. This variant was observed by ICSL as part of a predisposition screen in an ostensibly healthy population.

Juno Genomics, Hangzhou Juno Genomics, Inc
Classification: Pathogenic for Autosomal recessive ataxia, Beauce type; Arthrogryposis multiplex congenita 3, myogenic type; Emery-Dreifuss muscular dystrophy 4, autosomal dominant. Review status: criteria provided, single submitter. Criteria: ACMG Guidelines, 2015. Collection method: clinical testing. Allele origin: germline.
Comment: Absent from controls (or at extremely low frequency if recessive) in Genome Aggregation Database.;Null variant in a gene where loss of function (LOF) is a known mechanism of disease.;For recessive disorders, detected in trans with a pathogenic variant.;Co-segregation with disease in multiple affected family members.

Literature cited by the submitters: PubMed 27086870 (cited by Illumina Laboratory Services, Illumina).

NM_182961.4(SYNE1):c.23995C>T (p.Arg7999Ter)

Gene: SYNE1 (spectrin repeat containing nuclear envelope protein 1; minus strand). Cytogenetic location: 6q25.2.
Variant type: single nucleotide variant.
Coding change: c.23995C>T on transcript NM_182961.4 (MANE Select); coding-DNA position 23995, C replaced by T.
Protein change: p.Arg7999Ter; replaces arginine 7999 with a stop codon.
Molecular consequence: nonsense.
Genome position (GRCh38, 1-based): chr6:152,155,026, G>A on the plus strand (C>T on the coding strand, the complement: SYNE1 is on the minus strand). VCF-style: chr6-152155026-G-A. GRCh37 (hg19) VCF-style: chr6-152476161-G-A.
Other names: c.601C>T, p.Arg201Ter (NM_001347701.2); c.460C>T, p.Arg154Ter (NM_001347702.2); c.23782C>T, p.Arg7928Ter (NM_033071.5); short protein forms R7928*, R7999*, R154*, R201*.
Identifiers: ClinVar variation 632477 (VCV000632477.6), dbSNP rs570916267, ClinGen allele CA150178379.